The following is an entry in ClinVar:

ClinVar aggregate classification (germline): Uncertain significance (1 of 4 stars; one submission).

Conditions:
Spongy degeneration of central nervous system. Also called: ACY2 DEFICIENCY; AMINOACYLASE 2 DEFICIENCY; ASP DEFICIENCY; ASPA DEFICIENCY; ASPARTOACYLASE DEFICIENCY; CANAVAN-VAN BOGAERT-BERTRAND DISEASE. Identifiers: Orphanet 141, MedGen C0206307, MONDO:0010079, OMIM 271900.

Submission:

Labcorp Genetics (formerly Invitae), Labcorp
Classification: Uncertain significance for Spongy degeneration of central nervous system. Last evaluated: 2022-05-05. Review status: criteria provided, single submitter. Criteria: Invitae Variant Classification Sherloc (09022015). Collection method: clinical testing. Allele origin: germline.
Comment: This sequence change replaces threonine, which is neutral and polar, with arginine, which is basic and polar, at codon 44 of the ASPA protein (p.Thr44Arg). This variant is not present in population databases (gnomAD no frequency). This variant has not been reported in the literature in individuals affected with ASPA-related conditions. Advanced modeling of protein sequence and biophysical properties (such as structural, functional, and spatial information, amino acid conservation, physicochemical variation, residue mobility, and thermodynamic stability) performed at Invitae indicates that this missense variant is not expected to disrupt ASPA protein function. In summary, the available evidence is currently insufficient to determine the role of this variant in disease. Therefore, it has been classified as a Variant of Uncertain Significance.

NM_000049.4(ASPA):c.131C>G (p.Thr44Arg)

Genes: ASPA (aspartoacylase; plus strand), SPATA22 (spermatogenesis associated 22; minus strand). Cytogenetic location: 17p13.2.
Variant type: single nucleotide variant.
Coding change: c.131C>G on transcript NM_000049.4 (MANE Select); coding-DNA position 131, C replaced by G.
Protein change: p.Thr44Arg; replaces threonine 44 with arginine.
Molecular consequence: missense variant. On other transcripts: intron variant (2).
Genome position (GRCh38, 1-based): chr17:3,476,290, C>G. VCF-style: chr17-3476290-C-G. GRCh37 (hg19) VCF-style: chr17-3379584-C-G.
Other names: c.131C>G, p.Thr44Arg (NM_001128085.1); c.-73-6892G>C (NM_001321336.2, NM_001321337.2); short protein forms T44R.
Identifiers: ClinVar variation 2414242 (VCV002414242.42), dbSNP rs2543606733, ClinGen allele CA397681284.